The following is an entry in ClinVar:

ClinVar aggregate classification (germline): Benign/Likely benign. Review status: criteria provided, multiple submitters, no conflicts (2 of 4 stars). 6 submissions from 6 submitters: Benign (2); Likely benign (2). 2 of the submissions do not count toward it. Last evaluated 2026-03-01.

Allele frequency attached by ClinVar (database versions not stated): gnomAD exomes 0.00070; ExAC 0.00084; ESP Exome Variant Server 0.00223; 1000 Genomes Project 0.00419; 1000 Genomes Project 30x 0.00453; gnomAD 0.00234 and 0.00250; TOPMed 0.00272.
gnomAD v4.1: 727 of 1,614,134 alleles (0.045%); highest among the groups gnomAD compares: African/African-American, 0.74%; 5 homozygotes.

Submissions (6):

CeGaT Center for Human Genetics Tuebingen
Classification: Likely benign. Last evaluated: 2026-03-01. Review status: criteria provided, single submitter. Criteria: CeGaT Center For Human Genetics Tuebingen Variant Classification Criteria Version 2. Collection method: clinical testing. Allele origin: germline. Affected: yes. Observed: 4 variant alleles.
Comment: KATNIP: BP4, BP7

Labcorp Genetics (formerly Invitae), Labcorp
Classification: Benign. Last evaluated: 2026-01-29. Review status: criteria provided, single submitter. Criteria: Invitae Variant Classification Sherloc (09022015). Collection method: clinical testing. Allele origin: germline.

Blueprint Genetics
Classification: Likely benign. Last evaluated: 2024-10-08. Review status: criteria provided, single submitter. Criteria: ACMG Guidelines, 2015. Collection method: clinical testing. Allele origin: germline.

Breakthrough Genomics
Classification: Benign. Review status: criteria provided, single submitter. Criteria: ACMG Guidelines, 2015. Collection method: not provided. Allele origin: germline. Inheritance: Autosomal recessive inheritance. Affected: yes.

Clinical Genetics DNA and cytogenetics Diagnostics Lab, Erasmus MC, Erasmus Medical Center
Classification: Likely benign. Review status: no assertion criteria provided. Collection method: clinical testing. Allele origin: germline. Affected: yes. Study: VKGL Data-share Consensus. Not counted in ClinVar's aggregate classification.

Genome Diagnostics Laboratory, University Medical Center Utrecht
Classification: Likely benign. Review status: no assertion criteria provided. Collection method: clinical testing. Allele origin: germline. Affected: yes. Study: VKGL Data-share Consensus. Not counted in ClinVar's aggregate classification.

NM_015202.5(KATNIP):c.2175T>C (p.Pro725=)

Gene: KATNIP (katanin interacting protein; plus strand). Cytogenetic location: 16p12.1.
Variant type: single nucleotide variant.
Coding change: c.2175T>C on transcript NM_015202.5 (MANE Select); coding-DNA position 2175, T replaced by C.
Protein change: p.Pro725=; no amino-acid change (proline 725 retained).
Molecular consequence: synonymous variant.
Genome position (GRCh38, 1-based): chr16:27,740,472, T>C. VCF-style: chr16-27740472-T-C. GRCh37 (hg19) VCF-style: chr16-27751793-T-C.
Identifiers: ClinVar variation 713767 (VCV000713767.33), dbSNP rs146330054, ClinGen allele CA7977910.